The following is an entry in ClinVar:

NM_021008.4(DEAF1):c.438G>A (p.Ala146=)

Gene: DEAF1 (DEAF1 transcription factor; minus strand). Cytogenetic location: 11p15.5.
Variant type: single nucleotide variant.
Coding change: c.438G>A on transcript NM_021008.4 (MANE Select); coding-DNA position 438, G replaced by A.
Protein change: p.Ala146=; no amino-acid change (alanine 146 retained).
Molecular consequence: synonymous variant. On other transcripts: 5 prime UTR variant (1).
Genome position (GRCh38, 1-based): chr11:688,410, C>T on the plus strand (G>A on the coding strand, the complement: DEAF1 is on the minus strand). VCF-style: chr11-688410-C-T. GRCh37 (hg19) VCF-style: chr11-688410-C-T.
Other names: c.438G>A, p.Ala146= (NM_001293634.2); c.-289G>A (NM_001367390.1).
Identifiers: ClinVar variation 1950373 (VCV001950373.27), dbSNP rs369913665, ClinGen allele CA5786544.

ClinVar aggregate classification (germline): Likely benign. Review status: criteria provided, multiple submitters, no conflicts (2 of 4 stars). 2 submissions from 2 submitters: Likely benign (2). Last evaluated 2025-04-16.

Allele frequency attached by ClinVar (database versions not stated): ExAC 0.00001; gnomAD 0.00001; TOPMed 0.00002; ESP Exome Variant Server 0.00008.
gnomAD v4.1: 21 of 1,613,848 alleles (0.0013%); highest among the groups gnomAD compares: Non-Finnish European, 0.0016%; no homozygotes.

Submissions (2):

Labcorp Genetics (formerly Invitae), Labcorp
Classification: Likely benign. Last evaluated: 2025-04-16. Review status: criteria provided, single submitter. Criteria: Invitae Variant Classification Sherloc (09022015). Collection method: clinical testing. Allele origin: germline.

CeGaT Center for Human Genetics Tuebingen
Classification: Likely benign. Last evaluated: 2024-01-01. Review status: criteria provided, single submitter. Criteria: CeGaT Center For Human Genetics Tuebingen Variant Classification Criteria Version 2. Collection method: clinical testing. Allele origin: germline. Affected: yes. Observed: 1 variant allele.
Comment: DEAF1: BP4, BP7